The following is an entry in ClinVar:

NM_021020.5(LZTS1):c.152G>A (p.Gly51Asp)

Gene: LZTS1 (leucine zipper tumor suppressor 1; minus strand). Cytogenetic location: 8p21.3.
Variant type: single nucleotide variant.
Coding change: c.152G>A on transcript NM_021020.5 (MANE Select); coding-DNA position 152, G replaced by A.
Protein change: p.Gly51Asp; replaces glycine 51 with aspartic acid.
Molecular consequence: missense variant.
Genome position (GRCh38, 1-based): chr8:20,255,030, C>T on the plus strand (G>A on the coding strand, the complement: LZTS1 is on the minus strand). VCF-style: chr8-20255030-C-T. GRCh37 (hg19) VCF-style: chr8-20112541-C-T.
Other names: c.152G>A, p.Gly51Asp (NM_001362884.2); short protein forms G51D.
Identifiers: ClinVar variation 4768233 (VCV004768233.1).

ClinVar aggregate classification (germline): Uncertain significance (1 of 4 stars; one submission).

gnomAD v4.1: 3 of 1,614,206 alleles (0.00019%); highest among the groups gnomAD compares: East Asian, 0.0067%; no homozygotes.

Submission:

Labcorp Genetics (formerly Invitae), Labcorp
Classification: Uncertain significance. Last evaluated: 2025-12-29. Review status: criteria provided, single submitter. Criteria: Invitae Variant Classification Sherloc (09022015). Collection method: clinical testing. Allele origin: germline.
Comment: This sequence change replaces glycine, which is neutral and non-polar, with aspartic acid, which is acidic and polar, at codon 51 of the LZTS1 protein (p.Gly51Asp). This variant is not present in population databases (gnomAD no frequency). This variant has not been reported in the literature in individuals affected with LZTS1-related conditions. Invitae Evidence Modeling of protein sequence and biophysical properties (such as structural, functional, and spatial information, amino acid conservation, physicochemical variation, residue mobility, and thermodynamic stability) indicates that this missense variant is not expected to disrupt LZTS1 protein function with a negative predictive value of 80%. In summary, the available evidence is currently insufficient to determine the role of this variant in disease. Therefore, it has been classified as a Variant of Uncertain Significance.